The following is an entry in ClinVar:

NM_014515.7(CNOT2):c.335C>T (p.Pro112Leu)

Gene: CNOT2 (CCR4-NOT transcription complex subunit 2; plus strand). Cytogenetic location: 12q15.
Variant type: single nucleotide variant.
Coding change: c.335C>T on transcript NM_014515.7 (MANE Select); coding-DNA position 335, C replaced by T.
Protein change: p.Pro112Leu; replaces proline 112 with leucine.
Molecular consequence: missense variant. On other transcripts: non-coding transcript variant (1).
Genome position (GRCh38, 1-based): chr12:70,329,519, C>T. VCF-style: chr12-70329519-C-T. GRCh37 (hg19) VCF-style: chr12-70723299-C-T.
Other names: c.335C>T, p.Pro112Leu (NM_001199302.2, NM_001199303.2, NM_001414651.1 and 2 more transcripts); c.308C>T, p.Pro103Leu (NM_001414653.1, NM_001414654.1, NM_001414655.1); c.293C>T, p.Pro98Leu (NM_001414656.1); c.275C>T, p.Pro92Leu (NM_001414657.1, NM_001414658.1, NM_001414659.1 and 1 more transcripts); c.212C>T, p.Pro71Leu (NM_001414661.1); short protein forms P103L, P112L, P71L, P92L, P98L.
Identifiers: ClinVar variation 2662035 (VCV002662035.1), dbSNP rs2499099330, ClinGen allele CA385908223.

ClinVar aggregate classification (germline): Uncertain significance (1 of 4 stars; one submission).

Submission:

GeneDx
Classification: Uncertain significance. Last evaluated: 2023-05-09. Review status: criteria provided, single submitter. Criteria: GeneDx Variant Classification Process June 2021. Collection method: clinical testing. Allele origin: germline. Affected: yes.
Comment: Not observed at significant frequency in large population cohorts (gnomAD); In silico analysis supports that this missense variant has a deleterious effect on protein structure/function; Has not been previously published as pathogenic or benign to our knowledge